The following is an entry in ClinVar:

NM_019888.3(MC3R):c.272A>G (p.Asn91Ser)

Gene: MC3R (melanocortin 3 receptor; plus strand). Cytogenetic location: 20q13.2.
Variant type: single nucleotide variant.
Coding change: c.272A>G on transcript NM_019888.3 (MANE Select); coding-DNA position 272, A replaced by G.
Protein change: p.Asn91Ser; replaces asparagine 91 with serine.
Molecular consequence: missense variant.
Genome position (GRCh38, 1-based): chr20:56,249,115, A>G. VCF-style: chr20-56249115-A-G. GRCh37 (hg19) VCF-style: chr20-54824171-A-G.
Other names: short protein forms N91S.
Identifiers: ClinVar variation 2634143 (VCV002634143.1), dbSNP rs201051836, ClinGen allele CA9916961.

ClinVar aggregate classification (germline): Uncertain significance (1 of 4 stars; one submission).

Conditions:
MC3R-related disorder. Also called: MC3R-related condition.

Allele frequency attached by ClinVar (database versions not stated): TOPMed 0.00002; gnomAD exomes 0.00003; gnomAD 0.00005; ExAC 0.00008; 1000 Genomes Project 0.00040; 1000 Genomes Project 30x 0.00047.

Submission:

PreventionGenetics, part of Exact Sciences
Classification: Uncertain significance for MC3R-related condition. Last evaluated: 2023-05-23. Review status: criteria provided, single submitter. Criteria: ACMG Guidelines, 2015. Collection method: clinical testing. Allele origin: germline.
Comment: The MC3R c.272A>G variant is predicted to result in the amino acid substitution p.Asn91Ser. This variant has been reported in two individuals with obesity using alternate nomenclature (383A>G, N128S; Zegers et al. 2011. PubMed ID: 20539302; Zegers et al. 2013. PubMed ID: 23264184). Functional analysis of this variant has been inconclusive. It does not appear to alter plasma membrane localization (Zegers et al. 2011. PubMed ID: 20539302), and alpha-MSH-stimulated cAMP signaling is mildly reduced or unchanged (Zegers et al. 2011. PubMed ID: 20539302; Yang et al. 2015. PubMed ID: 25798062). However, alpha-MSH-stimulated pERK 1/2 signaling is significantly reduced (Yang et al. 2015. PubMed ID: 25798062). The physiological consequences of these data are unknown. At this time, the clinical significance of this variant is uncertain due to the absence of conclusive functional and genetic evidence.